The following is an entry in ClinVar:

ClinVar aggregate classification (germline): Uncertain significance. Review status: criteria provided, single submitter (1 of 4 stars). 2 submissions from 2 submitters: Uncertain significance (1). 1 of the submissions does not count toward it. Last evaluated 2025-12-15.

Conditions:
EP300-related disorder. Also called: EP300-related condition; EP300-related disorders.
Rubinstein-Taybi syndrome due to EP300 haploinsufficiency. Also called: EP300-Related Rubinstein-Taybi Syndrome; RUBINSTEIN-TAYBI SYNDROME 2. Identifiers: Orphanet 353284, Orphanet 783, MedGen C3150941, MONDO:0013364, OMIM 613684.

Allele frequency attached by ClinVar (database versions not stated): TOPMed 0.00001; gnomAD 0.00002; gnomAD exomes 0.00002; ExAC 0.00007; 1000 Genomes Project 30x 0.00016; 1000 Genomes Project 0.00020.
gnomAD v4.1: 40 of 1,613,828 alleles (0.0025%); highest among the groups gnomAD compares: South Asian, 0.022%; 1 homozygote.

Submissions (2):

Labcorp Genetics (formerly Invitae), Labcorp
Classification: Uncertain significance for Rubinstein-Taybi syndrome due to EP300 haploinsufficiency. Last evaluated: 2025-12-15. Review status: criteria provided, single submitter. Criteria: Invitae Variant Classification Sherloc (09022015). Collection method: clinical testing. Allele origin: germline.
Comment: This sequence change replaces isoleucine, which is neutral and non-polar, with valine, which is neutral and non-polar, at codon 429 of the EP300 protein (p.Ile429Val). This variant is present in population databases (rs571437585, gnomAD 0.02%). This variant has not been reported in the literature in individuals affected with EP300-related conditions. ClinVar contains an entry for this variant (Variation ID: 3042622). Experimental studies and prediction algorithms are not available or were not evaluated, and the functional significance of this variant is currently unknown. Algorithms developed to predict the effect of sequence changes on RNA splicing suggest that this variant may create or strengthen a splice site. In summary, the available evidence is currently insufficient to determine the role of this variant in disease. Therefore, it has been classified as a Variant of Uncertain Significance.

PreventionGenetics, part of Exact Sciences
Classification: Likely benign for EP300-related condition. Last evaluated: 2022-04-12. Review status: no assertion criteria provided. Collection method: clinical testing. Allele origin: germline. Not counted in ClinVar's aggregate classification.
Comment: This variant is classified as likely benign based on ACMG/AMP sequence variant interpretation guidelines (Richards et al. 2015 PMID: 25741868, with internal and published modifications).

NM_001429.4(EP300):c.1285A>G (p.Ile429Val)

Gene: EP300 (EP300 lysine acetyltransferase; plus strand). Cytogenetic location: 22q13.2.
Variant type: single nucleotide variant.
Coding change: c.1285A>G on transcript NM_001429.4 (MANE Select); coding-DNA position 1285, A replaced by G.
Protein change: p.Ile429Val; replaces isoleucine 429 with valine.
Molecular consequence: missense variant.
Genome position (GRCh38, 1-based): chr22:41,131,390, A>G. VCF-style: chr22-41131390-A-G. GRCh37 (hg19) VCF-style: chr22-41527394-A-G.
Other names: c.1285A>G, p.Ile429Val (NM_001362843.2); short protein forms I429V.
Identifiers: ClinVar variation 3042622 (VCV003042622.3), dbSNP rs571437585, ClinGen allele CA10252485.